The following is an entry in ClinVar:

NM_000135.4(FANCA):c.431A>C (p.Lys144Thr)

Gene: FANCA (FA complementation group A; minus strand). Cytogenetic location: 16q24.3.
Variant type: single nucleotide variant.
Coding change: c.431A>C on transcript NM_000135.4 (MANE Select); coding-DNA position 431, A replaced by C.
Protein change: p.Lys144Thr; replaces lysine 144 with threonine.
Molecular consequence: missense variant. On other transcripts: intron variant (1).
Genome position (GRCh38, 1-based): chr16:89,810,798, T>G on the plus strand (A>C on the coding strand, the complement: FANCA is on the minus strand). VCF-style: chr16-89810798-T-G. GRCh37 (hg19) VCF-style: chr16-89877206-T-G.
Other names: c.431A>C, p.Lys144Thr (NM_001018112.3, NM_001286167.3); c.426+131A>C (NM_001351830.2); short protein forms K144T.
Identifiers: ClinVar variation 4254172 (VCV004254172.1).

ClinVar aggregate classification (germline): Uncertain significance (1 of 4 stars; one submission).

Conditions:
Inborn genetic diseases. Identifiers: MedGen C0950123, MeSH D030342.

Submission:

Ambry Genetics
Classification: Uncertain significance for Inborn genetic diseases. Last evaluated: 2025-07-01. Review status: criteria provided, single submitter. Criteria: Ambry Variant Classification Scheme 2023. Collection method: clinical testing. Allele origin: germline.
Comment: The p.K144T variant (also known as c.431A>C), located in coding exon 5 of the FANCA gene, results from an A to C substitution at nucleotide position 431. The lysine at codon 144 is replaced by threonine, an amino acid with similar properties. This amino acid position is conserved. In addition, this alteration is predicted to be tolerated by in silico analysis. Based on the available evidence, the clinical significance of this variant remains unclear.